The following is an entry in ClinVar:

NM_000038.6(APC):c.8365A>G (p.Ser2789Gly)

Gene: APC (APC regulator of Wnt signaling pathway; plus strand). Cytogenetic location: 5q22.2.
Variant type: single nucleotide variant.
Coding change: c.8365A>G on transcript NM_000038.6 (MANE Select); coding-DNA position 8365, A replaced by G.
Protein change: p.Ser2789Gly; replaces serine 2789 with glycine.
Molecular consequence: missense variant.
Genome position (GRCh38, 1-based): chr5:112,843,959, A>G. VCF-style: chr5-112843959-A-G. GRCh37 (hg19) VCF-style: chr5-112179656-A-G.
Other names: c.8365A>G, p.Ser2789Gly (NM_001127510.3, NM_001354895.2); c.8311A>G, p.Ser2771Gly (NM_001127511.3); c.8419A>G, p.Ser2807Gly (NM_001354896.2); c.8395A>G, p.Ser2799Gly (NM_001354897.2); c.8290A>G, p.Ser2764Gly (NM_001354898.2); c.8281A>G, p.Ser2761Gly (NM_001354899.2); c.8242A>G, p.Ser2748Gly (NM_001354900.2); c.8188A>G, p.Ser2730Gly (NM_001354901.2); and 5 more; short protein forms S2771G, S2789G, S2506G, S2629G, S2748G, S2799G, S2698G, S2730G.
Identifiers: ClinVar variation 489505 (VCV000489505.20), dbSNP rs1554089077, ClinGen allele CA16039484.

ClinVar aggregate classification (germline): Uncertain significance. Review status: criteria provided, multiple submitters, no conflicts (2 of 4 stars). 3 submissions from 3 submitters: Uncertain significance (3). Last evaluated 2026-03-04.

Conditions:
Familial adenomatous polyposis 1 (FAP1). Also called: FAMILIAL ADENOMATOUS POLYPOSIS 1, ATTENUATED; POLYPOSIS, ADENOMATOUS INTESTINAL. Identifiers: MedGen C2713442, MONDO:0021056, OMIM 175100. Disease mechanism: loss of function.
Hereditary cancer-predisposing syndrome. Also called: Tumor predisposition; Hereditary Cancer Syndrome; Neoplastic Syndromes, Hereditary; Hereditary neoplastic syndrome. Identifiers: Orphanet 140162, MedGen C0027672, MeSH D009386, MONDO:0015356.

Allele frequency attached by ClinVar (database versions not stated): TOPMed below 0.00001; gnomAD 0.00001.
gnomAD v4.1: 1 of 1,606,296 alleles (0.000062%); highest among the groups gnomAD compares: African/African-American, 0.0013%; no homozygotes.

Submissions (3):

Ambry Genetics
Classification: Uncertain significance for Hereditary cancer-predisposing syndrome. Last evaluated: 2026-03-04. Review status: criteria provided, single submitter. Criteria: Ambry Variant Classification Scheme 2023. Collection method: clinical testing. Allele origin: germline.
Comment: The p.S2789G variant (also known as c.8365A>G), located in coding exon 15 of the APC gene, results from an A to G substitution at nucleotide position 8365. The serine at codon 2789 is replaced by glycine, an amino acid with similar properties. This amino acid position is highly conserved in available vertebrate species. In addition, in silico predictors for this gene do not accurately predict pathogenicity. Missense alterations in APC are not a common cause of disease (Spier I et al. Genet Med. 2024 Feb;26(2):100992). Based on the available evidence, the clinical significance of this variant remains unclear.

Labcorp Genetics (formerly Invitae), Labcorp
Classification: Uncertain significance for Familial adenomatous polyposis 1. Last evaluated: 2025-02-18. Review status: criteria provided, single submitter. Criteria: Invitae Variant Classification Sherloc (09022015). Collection method: clinical testing. Allele origin: germline.
Comment: This sequence change replaces serine, which is neutral and polar, with glycine, which is neutral and non-polar, at codon 2789 of the APC protein (p.Ser2789Gly). This variant is not present in population databases (gnomAD no frequency). This variant has not been reported in the literature in individuals affected with APC-related conditions. ClinVar contains an entry for this variant (Variation ID: 489505). Invitae Evidence Modeling of protein sequence and biophysical properties (such as structural, functional, and spatial information, amino acid conservation, physicochemical variation, residue mobility, and thermodynamic stability) indicates that this missense variant is not expected to disrupt APC protein function with a negative predictive value of 95%. Algorithms developed to predict the effect of sequence changes on RNA splicing suggest that this variant may create or strengthen a splice site. In summary, the available evidence is currently insufficient to determine the role of this variant in disease. Therefore, it has been classified as a Variant of Uncertain Significance.

Color Diagnostics, LLC DBA Color Health
Classification: Uncertain significance for Hereditary cancer-predisposing syndrome. Last evaluated: 2023-12-05. Review status: criteria provided, single submitter. Criteria: ACMG Guidelines, 2015. Collection method: clinical testing. Allele origin: germline.
Comment: This missense variant replaces serine with glycine at codon 2789 of the APC protein. Computational prediction suggests that this variant may not impact protein structure and function (internally defined REVEL score threshold <= 0.5, PMID: 27666373). To our knowledge, functional studies have not been reported for this variant. This variant has not been reported in individuals affected with APC-related disorders in the literature. This variant has not been identified in the general population by the Genome Aggregation Database (gnomAD). The available evidence is insufficient to determine the role of this variant in disease conclusively. Therefore, this variant is classified as a Variant of Uncertain Significance.